The following is an entry in ClinVar:

ClinVar aggregate classification (germline): Uncertain significance (1 of 4 stars; one submission).

Submission:

Labcorp Genetics (formerly Invitae), Labcorp
Classification: Uncertain significance. Last evaluated: 2022-05-12. Review status: criteria provided, single submitter. Criteria: Invitae Variant Classification Sherloc (09022015). Collection method: clinical testing. Allele origin: germline.
Comment: This sequence change replaces proline, which is neutral and non-polar, with leucine, which is neutral and non-polar, at codon 75 of the GP9 protein (p.Pro75Leu). This variant is not present in population databases (gnomAD no frequency). This variant has not been reported in the literature in individuals affected with GP9-related conditions. Algorithms developed to predict the effect of missense changes on protein structure and function output the following: SIFT: "Tolerated"; PolyPhen-2: "Benign"; Align-GVGD: "Class C0". The leucine amino acid residue is found in multiple mammalian species, which suggests that this missense change does not adversely affect protein function. In summary, the available evidence is currently insufficient to determine the role of this variant in disease. Therefore, it has been classified as a Variant of Uncertain Significance.

NM_000174.5(GP9):c.224C>T (p.Pro75Leu)

Gene: GP9 (glycoprotein IX platelet; plus strand). Cytogenetic location: 3q21.3.
Variant type: single nucleotide variant.
Coding change: c.224C>T on transcript NM_000174.5 (MANE Select); coding-DNA position 224, C replaced by T.
Protein change: p.Pro75Leu; replaces proline 75 with leucine.
Molecular consequence: missense variant.
Genome position (GRCh38, 1-based): chr3:129,061,963, C>T. VCF-style: chr3-129061963-C-T. GRCh37 (hg19) VCF-style: chr3-128780806-C-T.
Other names: short protein forms P75L.
Identifiers: ClinVar variation 1915240 (VCV001915240.5), dbSNP rs1309404269, ClinGen allele CA354447553.